The following is an entry in ClinVar:

NM_001369.3(DNAH5):c.12361C>T (p.Leu4121Phe)

Gene: DNAH5 (dynein axonemal heavy chain 5; minus strand). Cytogenetic location: 5p15.2.
Variant type: single nucleotide variant.
Coding change: c.12361C>T on transcript NM_001369.3 (MANE Select); coding-DNA position 12361, C replaced by T.
Protein change: p.Leu4121Phe; replaces leucine 4121 with phenylalanine.
Molecular consequence: missense variant.
Genome position (GRCh38, 1-based): chr5:13,719,020, G>A on the plus strand (C>T on the coding strand, the complement: DNAH5 is on the minus strand). VCF-style: chr5-13719020-G-A. GRCh37 (hg19) VCF-style: chr5-13719129-G-A.
Other names: short protein forms L4121F.
Identifiers: ClinVar variation 407259 (VCV000407259.11), dbSNP rs144234655, ClinGen allele CA3201663.

ClinVar aggregate classification (germline): Uncertain significance. Review status: criteria provided, single submitter (1 of 4 stars). 2 submissions from 2 submitters: Uncertain significance (1). 1 of the submissions does not count toward it. Last evaluated 2025-10-03.

Conditions:
Primary ciliary dyskinesia. Also called: Ciliary dyskinesia. Identifiers: Orphanet 244, MedGen C0008780, MONDO:0016575, HP:0012265.

Allele frequency attached by ClinVar (database versions not stated): ExAC 0.00001; gnomAD exomes 0.00001 and 0.00004; TOPMed 0.00001; gnomAD 0.00002; ESP Exome Variant Server 0.00008.
gnomAD v4.1: 61 of 1,614,016 alleles (0.0038%); highest among the groups gnomAD compares: Non-Finnish European, 0.0052%; no homozygotes.

Submissions (2):

Labcorp Genetics (formerly Invitae), Labcorp
Classification: Uncertain significance for Primary ciliary dyskinesia. Last evaluated: 2025-10-03. Review status: criteria provided, single submitter. Criteria: Invitae Variant Classification Sherloc (09022015). Collection method: clinical testing. Allele origin: germline.
Comment: This sequence change replaces leucine, which is neutral and non-polar, with phenylalanine, which is neutral and non-polar, at codon 4121 of the DNAH5 protein (p.Leu4121Phe). This variant is present in population databases (rs144234655, gnomAD 0.003%). This variant has not been reported in the literature in individuals affected with DNAH5-related conditions. ClinVar contains an entry for this variant (Variation ID: 407259). Invitae Evidence Modeling of protein sequence and biophysical properties (such as structural, functional, and spatial information, amino acid conservation, physicochemical variation, residue mobility, and thermodynamic stability) indicates that this missense variant is not expected to disrupt DNAH5 protein function with a negative predictive value of 95%. In summary, the available evidence is currently insufficient to determine the role of this variant in disease. Therefore, it has been classified as a Variant of Uncertain Significance.

Natera, Inc.
Classification: Uncertain significance for Primary ciliary dyskinesia. Last evaluated: 2019-11-11. Review status: no assertion criteria provided. Collection method: clinical testing. Allele origin: germline. Not counted in ClinVar's aggregate classification.